The following is an entry in ClinVar:

ClinVar aggregate classification (germline): Uncertain significance (1 of 4 stars; one submission).

Allele frequency attached by ClinVar (database versions not stated): gnomAD 0.00001; TOPMed 0.00001.
gnomAD v4.1: 2 of 1,613,910 alleles (0.00012%); highest among the groups gnomAD compares: African/African-American, 0.0027%; no homozygotes.

Submission:

Ambry Genetics
Classification: Uncertain significance. Last evaluated: 2024-02-09. Review status: criteria provided, single submitter. Criteria: Ambry Variant Classification Scheme 2023. Collection method: clinical testing. Allele origin: germline.
Comment: The p.I771T variant (also known as c.2312T>C), located in coding exon 13 of the NPAT gene, results from a T to C substitution at nucleotide position 2312. The isoleucine at codon 771 is replaced by threonine, an amino acid with similar properties. This amino acid position is conserved. In addition, the in silico prediction for this alteration is inconclusive. Based on the available evidence, the clinical significance of this alteration remains unclear.

NM_002519.3(NPAT):c.2312T>C (p.Ile771Thr)

Gene: NPAT (nuclear protein, coactivator of histone transcription; minus strand). Cytogenetic location: 11q22.3.
Variant type: single nucleotide variant.
Coding change: c.2312T>C on transcript NM_002519.3 (MANE Select); coding-DNA position 2312, T replaced by C.
Protein change: p.Ile771Thr; replaces isoleucine 771 with threonine.
Molecular consequence: missense variant.
Genome position (GRCh38, 1-based): chr11:108,172,672, A>G on the plus strand (T>C on the coding strand, the complement: NPAT is on the minus strand). VCF-style: chr11-108172672-A-G. GRCh37 (hg19) VCF-style: chr11-108043399-A-G.
Other names: c.2312T>C, p.Ile771Thr (NM_001321307.1); short protein forms I771T.
Identifiers: ClinVar variation 3222519 (VCV003222519.1), dbSNP rs1351462511, ClinGen allele CA382513243.